The following is an entry in ClinVar:

ClinVar aggregate classification (germline): Uncertain significance (1 of 4 stars; one submission).

Submission:

Labcorp Genetics (formerly Invitae), Labcorp
Classification: Uncertain significance. Last evaluated: 2021-11-23. Review status: criteria provided, single submitter. Criteria: Invitae Variant Classification Sherloc (09022015). Collection method: clinical testing. Allele origin: germline.
Comment: In summary, the available evidence is currently insufficient to determine the role of this variant in disease. Therefore, it has been classified as a Variant of Uncertain Significance. This variant has not been reported in the literature in individuals affected with ANXA11-related conditions. This variant is not present in population databases (gnomAD no frequency). This sequence change creates a premature translational stop signal (p.Gly137Argfs*60) in the ANXA11 gene. It is expected to result in an absent or disrupted protein product. However, the current clinical and genetic evidence is not sufficient to establish whether loss-of-function variants in ANXA11 cause disease.

NM_145868.2(ANXA11):c.408dup (p.Gly137fs)

Gene: ANXA11 (annexin A11; minus strand). Cytogenetic location: 10q22.3.
Variant type: Duplication.
Coding change: c.408dup on transcript NM_145868.2 (MANE Select); coding-DNA position 408, one base duplicated (C; older notation c.408dupC).
Protein change: p.Gly137fs; shifts the reading frame from glycine 137.
Molecular consequence: frameshift variant.
Genome position (GRCh38, 1-based): chr10:80,169,122, G duplicated on the plus strand (C on the coding strand, the reverse complement: ANXA11 is on the minus strand); the first of 6 consecutive G bases (chr10:80,169,122-80,169,127); duplicating any one gives the same sequence. VCF-style (leftmost placement, unchanged base first): chr10-80169121-C-CG. GRCh37 (hg19) VCF-style: chr10-81928877-C-CG.
Other names: c.408dup, p.Gly137fs (NM_001157.3, NM_001278407.2, NM_001278408.2 and 1 more transcripts); c.309dup, p.Gly104fs (NM_001278409.2); short protein forms G104fs, G137fs.
Identifiers: ClinVar variation 1521622 (VCV001521622.6), dbSNP rs771435989, ClinGen allele CA645562028.